The following is an entry in ClinVar:

NM_001379200.1(TBX1):c.598G>A (p.Gly200Ser)

Gene: TBX1 (T-box transcription factor 1; plus strand). Cytogenetic location: 22q11.21.
Variant type: single nucleotide variant.
Coding change: c.598G>A on transcript NM_001379200.1 (MANE Select); coding-DNA position 598, G replaced by A.
Protein change: p.Gly200Ser; replaces glycine 200 with serine.
Molecular consequence: missense variant.
Genome position (GRCh38, 1-based): chr22:19,764,213, G>A. VCF-style: chr22-19764213-G-A. GRCh37 (hg19) VCF-style: chr22-19751736-G-A.
Other names: c.571G>A, p.Gly191Ser (NM_005992.1, NM_080646.2, NM_080647.1); short protein forms G191S, G200S.
Identifiers: ClinVar variation 1749276 (VCV001749276.3), dbSNP rs773832715, ClinGen allele CA10102499.

ClinVar aggregate classification (germline): Uncertain significance. Review status: criteria provided, multiple submitters, no conflicts (2 of 4 stars). 2 submissions from 2 submitters: Uncertain significance (2). Last evaluated 2025-08-12.

Conditions:
Cardiovascular phenotype. Identifiers: MedGen CN230736.
DiGeorge syndrome. Also called: THIRD AND FOURTH PHARYNGEAL POUCH SYNDROME; Catch22. Identifiers: Orphanet 567, MedGen C0012236, MONDO:0008564, OMIM 188400.

Allele frequency attached by ClinVar (database versions not stated): ExAC 0.00001; gnomAD 0.00001.
gnomAD v4.1: 1 of 1,612,888 alleles (0.000062%); highest among the groups gnomAD compares: Admixed American, 0.0017%; no homozygotes.

Submissions (2):

Labcorp Genetics (formerly Invitae), Labcorp
Classification: Uncertain significance for DiGeorge syndrome. Last evaluated: 2025-08-12. Review status: criteria provided, single submitter. Criteria: Invitae Variant Classification Sherloc (09022015). Collection method: clinical testing. Allele origin: germline.
Comment: This sequence change replaces glycine, which is neutral and non-polar, with serine, which is neutral and polar, at codon 191 of the TBX1 protein (p.Gly191Ser). This variant is present in population databases (rs773832715, gnomAD 0.007%). This variant has not been reported in the literature in individuals affected with TBX1-related conditions. ClinVar contains an entry for this variant (Variation ID: 1749276). Invitae Evidence Modeling of protein sequence and biophysical properties (such as structural, functional, and spatial information, amino acid conservation, physicochemical variation, residue mobility, and thermodynamic stability) indicates that this missense variant is not expected to disrupt TBX1 protein function with a negative predictive value of 80%. In summary, the available evidence is currently insufficient to determine the role of this variant in disease. Therefore, it has been classified as a Variant of Uncertain Significance.

Ambry Genetics
Classification: Uncertain significance for Cardiovascular phenotype. Last evaluated: 2022-01-12. Review status: criteria provided, single submitter. Criteria: Ambry Variant Classification Scheme 2023. Collection method: clinical testing. Allele origin: germline.
Comment: The p.G191S variant (also known as c.571G>A), located in coding exon 4 of the TBX1 gene, results from a G to A substitution at nucleotide position 571. The glycine at codon 191 is replaced by serine, an amino acid with similar properties. This amino acid position is conserved. In addition, the in silico prediction for this alteration is inconclusive. Since supporting evidence is limited at this time, the clinical significance of this alteration remains unclear.